The following is an entry in ClinVar:

ClinVar aggregate classification (germline): Uncertain significance. Review status: criteria provided, multiple submitters, no conflicts (2 of 4 stars). 2 submissions from 2 submitters: Uncertain significance (2). Last evaluated 2024-12-10.

Conditions:
Cardiomyopathy (CMYO). Also called: Cardiomyopathies. Identifiers: Orphanet 167848, MedGen C0878544, MONDO:0004994, HP:0001638. Inheritance: Various modes of inheritance.
Hypertrophic cardiomyopathy. Also called: HYPERTROPHIC MYOCARDIOPATHY. Identifiers: Orphanet 217569, MedGen C0007194, MeSH D002312, MONDO:0005045, HP:0001639.

Submissions (2):

Color Diagnostics, LLC DBA Color Health
Classification: Uncertain significance for Cardiomyopathy. Last evaluated: 2024-12-10. Review status: criteria provided, single submitter. Criteria: ACMG Guidelines, 2015. Collection method: clinical testing. Allele origin: germline.
Comment: This variant changes 1 nucleotide in exon 14 of the MYH7 gene, creating a premature translation stop signal. This variant is expected to result in an absent or non-functional protein product. To our knowledge, this variant has not been reported in individuals affected with MYH7-related disorders in the literature. This variant has not been identified in the general population by the Genome Aggregation Database (gnomAD). Clinical relevance of loss-of-function MYH7 truncation variants in autosomal dominant cardiovascular disorders is not clearly established. The available evidence is insufficient to determine the role of this variant in disease conclusively. Therefore, this variant is classified as a Variant of Uncertain Significance.

Labcorp Genetics (formerly Invitae), Labcorp
Classification: Uncertain significance for Hypertrophic cardiomyopathy. Last evaluated: 2024-05-08. Review status: criteria provided, single submitter. Criteria: Invitae Variant Classification Sherloc (09022015). Collection method: clinical testing. Allele origin: germline.
Comment: This sequence change creates a premature translational stop signal (p.Gln451*) in the MYH7 gene. It is expected to result in an absent or disrupted protein product. However, the current clinical and genetic evidence is not sufficient to establish whether loss-of-function variants in MYH7 cause disease. This variant is not present in population databases (gnomAD no frequency). This variant has not been reported in the literature in individuals affected with MYH7-related conditions. In summary, the available evidence is currently insufficient to determine the role of this variant in disease. Therefore, it has been classified as a Variant of Uncertain Significance.

NM_000257.4(MYH7):c.1351C>T (p.Gln451Ter)

Gene: MYH7 (myosin heavy chain 7; minus strand). Cytogenetic location: 14q11.2.
Variant type: single nucleotide variant.
Coding change: c.1351C>T on transcript NM_000257.4 (MANE Select); coding-DNA position 1351, C replaced by T.
Protein change: p.Gln451Ter; replaces glutamine 451 with a stop codon.
Molecular consequence: nonsense.
Genome position (GRCh38, 1-based): chr14:23,429,011, G>A on the plus strand (C>T on the coding strand, the complement: MYH7 is on the minus strand). VCF-style: chr14-23429011-G-A. GRCh37 (hg19) VCF-style: chr14-23898220-G-A.
Other names: c.1351C>T, p.Gln451Ter (NM_001407004.1); short protein forms Q451*.
Identifiers: ClinVar variation 3652673 (VCV003652673.3).